The following is an entry in ClinVar:

NM_020693.4(DSCAML1):c.5803C>T (p.Arg1935Ter)

Gene: DSCAML1 (DS cell adhesion molecule like 1; minus strand). Cytogenetic location: 11q23.3.
Variant type: single nucleotide variant.
Coding change: c.5803C>T on transcript NM_020693.4 (MANE Select); coding-DNA position 5803, C replaced by T.
Protein change: p.Arg1935Ter; replaces arginine 1935 with a stop codon.
Molecular consequence: nonsense.
Genome position (GRCh38, 1-based): chr11:117,428,687, G>A on the plus strand (C>T on the coding strand, the complement: DSCAML1 is on the minus strand). VCF-style: chr11-117428687-G-A. GRCh37 (hg19) VCF-style: chr11-117299403-G-A.
Other names: short protein forms R1935*.
Identifiers: ClinVar variation 2737740 (VCV002737740.3), dbSNP rs1221042708, ClinGen allele CA382751372.

ClinVar aggregate classification (germline): Uncertain significance (1 of 4 stars; one submission).

Submission:

Labcorp Genetics (formerly Invitae), Labcorp
Classification: Uncertain significance. Last evaluated: 2023-07-07. Review status: criteria provided, single submitter. Criteria: Invitae Variant Classification Sherloc (09022015). Collection method: clinical testing. Allele origin: germline.
Comment: This sequence change creates a premature translational stop signal (p.Arg1995*) in the DSCAML1 gene. While this is not anticipated to result in nonsense mediated decay, it is expected to disrupt the last 119 amino acid(s) of the DSCAML1 protein. The frequency data for this variant in the population databases is considered unreliable, as metrics indicate poor data quality at this position in the gnomAD database. This variant has not been reported in the literature in individuals affected with DSCAML1-related conditions. In summary, the available evidence is currently insufficient to determine the role of this variant in disease. Therefore, it has been classified as a Variant of Uncertain Significance.